The following is an entry in ClinVar:

NM_174936.4(PCSK9):c.1071C>T (p.Arg357=)

Gene: PCSK9 (proprotein convertase subtilisin/kexin type 9; plus strand). Cytogenetic location: 1p32.3.
Variant type: single nucleotide variant.
Coding change: c.1071C>T on transcript NM_174936.4 (MANE Select); coding-DNA position 1071, C replaced by T.
Protein change: p.Arg357=; no amino-acid change (arginine 357 retained).
Molecular consequence: synonymous variant. On other transcripts: non-coding transcript variant (7).
Genome position (GRCh38, 1-based): chr1:55,057,405, C>T. VCF-style: chr1-55057405-C-T. GRCh37 (hg19) VCF-style: chr1-55523078-C-T.
Other names: c.1194C>T, p.Arg398= (NM_001407240.1); c.1071C>T, p.Arg357= (NM_001407241.1, NM_001407244.1, NM_001407247.1); c.1074C>T, p.Arg358= (NM_001407242.1); c.1014C>T, p.Arg338= (NM_001407243.1); c.879C>T, p.Arg293= (NM_001407245.1); c.696C>T, p.Arg232= (NM_001407246.1).
Identifiers: ClinVar variation 748177 (VCV000748177.12), dbSNP rs779288795, ClinGen allele CA034939.
Genomic context (GRCh38, chr1:55,057,405, plus strand): 5'-GGCCACCAATGCCCAAGACCAGCCGGTGACCCTGGGGACTTTGGGGACCAACTTTGGCCG[C>T]TGTGTGGACCTCTTTGCCCCAGGGGAGGACATCATTGGTGCCTCCAGCGACTGCAGCACC-3'
Protein context (NP_777596.2, residues 347-367): TLGTLGTNFG[Arg357=]CVDLFAPGED

ClinVar aggregate classification (germline): Likely benign. Review status: criteria provided, multiple submitters, no conflicts (2 of 4 stars). 4 submissions from 4 submitters: Likely benign (4). Last evaluated 2023-06-28.

Conditions:
Hypercholesterolemia, autosomal dominant, 3 (FHCL3). Also called: Familial hypercholesterolemia 3; PCSK9-Related Familial Hypercholesterolemia, Autosomal Dominant; Familial Hypercholesterolemia, Autosomal Dominant, 3. Identifiers: MedGen C1863551, MONDO:0011369, OMIM 603776.
Cardiovascular phenotype. Identifiers: MedGen CN230736.
Familial hypercholesterolemia. Also called: Familial hypercholesterolemias; Familial hypercholesterolaemia. Identifiers: MedGen C0020445, MONDO:0005439.

Allele frequency attached by ClinVar (database versions not stated): ExAC 0.00001; gnomAD exomes 0.00001; TOPMed 0.00001.
gnomAD v4.1: 11 of 1,614,182 alleles (0.00068%); highest among the groups gnomAD compares: Non-Finnish European, 0.00093%; no homozygotes.

Submissions (4):

All of Us Research Program, National Institutes of Health
Classification: Likely benign for Hypercholesterolemia, autosomal dominant, 3. Last evaluated: 2023-06-28. Review status: criteria provided, single submitter. Criteria: ACMG Guidelines, 2015. Collection method: clinical testing. Allele origin: germline. Inheritance: Autosomal dominant inheritance. Observed: 2 variant alleles, 2 heterozygotes.
Comment: This study involves interpretation of variants in research participants for the purpose of population health screening. Participant phenotype was not available at the time of variant classification. Additional details can be found in publication PMID: 35346344, PMCID: PMC8962531

Ambry Genetics
Classification: Likely benign for Cardiovascular phenotype. Last evaluated: 2021-02-14. Review status: criteria provided, single submitter. Criteria: Ambry Variant Classification Scheme 2023. Collection method: clinical testing. Allele origin: germline.

Color Diagnostics, LLC DBA Color Health
Classification: Likely benign for Familial hypercholesterolemia. Last evaluated: 2019-10-17. Review status: criteria provided, single submitter. Criteria: ACMG Guidelines, 2015. Collection method: clinical testing. Allele origin: germline.

Labcorp Genetics (formerly Invitae), Labcorp
Classification: Likely benign for Hypercholesterolemia, autosomal dominant, 3. Last evaluated: 2018-05-10. Review status: criteria provided, single submitter. Criteria: Invitae Variant Classification Sherloc (09022015). Collection method: clinical testing. Allele origin: germline.